The following is an entry in ClinVar:

ClinVar aggregate classification (germline): Uncertain significance (1 of 4 stars; one submission).

Conditions:
Charcot-Marie-Tooth disease type 2B (CMT2B). Also called: CHARCOT-MARIE-TOOTH DISEASE, AXONAL, TYPE 2B; CHARCOT-MARIE-TOOTH DISEASE, AUTOSOMAL DOMINANT, TYPE 2B; HEREDITARY MOTOR AND SENSORY NEUROPATHY IIB; Charcot-Marie-Tooth Neuropathy Type 2B. Identifiers: Orphanet 99936, MedGen C1833219, MONDO:0010949, OMIM 600882.

Submission:

Labcorp Genetics (formerly Invitae), Labcorp
Classification: Uncertain significance for Charcot-Marie-Tooth disease type 2B. Last evaluated: 2021-06-23. Review status: criteria provided, single submitter. Criteria: Invitae Variant Classification Sherloc (09022015). Collection method: clinical testing. Allele origin: germline.
Comment: In summary, the available evidence is currently insufficient to determine the role of this variant in disease. Therefore, it has been classified as a Variant of Uncertain Significance. Algorithms developed to predict the effect of missense changes on protein structure and function (SIFT, PolyPhen-2, Align-GVGD) all suggest that this variant is likely to be tolerated, but these predictions have not been confirmed by published functional studies and their clinical significance is uncertain. This variant has not been reported in the literature in individuals with RAB7A-related conditions. This variant is not present in population databases (ExAC no frequency). This sequence change replaces alanine with serine at codon 198 of the RAB7A protein (p.Ala198Ser). The alanine residue is moderately conserved and there is a moderate physicochemical difference between alanine and serine.

NM_004637.6(RAB7A):c.592G>T (p.Ala198Ser)

Genes: RAB7A (RAB7A, member RAS oncogene family; plus strand), LOC112872299 (Sharpr-MPRA regulatory region 6458; plus strand). Cytogenetic location: 3q21.3.
Variant type: single nucleotide variant.
Coding change: c.592G>T on transcript NM_004637.6 (MANE Select); coding-DNA position 592, G replaced by T.
Protein change: p.Ala198Ser; replaces alanine 198 with serine.
Molecular consequence: missense variant.
Genome position (GRCh38, 1-based): chr3:128,813,390, G>T. VCF-style: chr3-128813390-G-T. GRCh37 (hg19) VCF-style: chr3-128532233-G-T.
Other names: short protein forms A198S.
Identifiers: ClinVar variation 1471329 (VCV001471329.8), dbSNP rs748832566, ClinGen allele CA354423670.